The following is an entry in ClinVar:

NM_000465.4(BARD1):c.732C>G (p.Ser244Arg)

Gene: BARD1 (BRCA1 associated RING domain 1; minus strand). Cytogenetic location: 2q35.
Variant type: single nucleotide variant.
Coding change: c.732C>G on transcript NM_000465.4 (MANE Select); coding-DNA position 732, C replaced by G.
Protein change: p.Ser244Arg; replaces serine 244 with arginine.
Molecular consequence: missense variant. On other transcripts: non-coding transcript variant (2), intron variant (3).
Genome position (GRCh38, 1-based): chr2:214,781,142, G>C on the plus strand (C>G on the coding strand, the complement: BARD1 is on the minus strand). VCF-style: chr2-214781142-G-C. GRCh37 (hg19) VCF-style: chr2-215645866-G-C.
Other names: c.675C>G, p.Ser225Arg (NM_001282543.2); c.158+28270C>G (NM_001282548.2); c.215+15919C>G (NM_001282545.2); c.364+11155C>G (NM_001282549.2); c.732C>G (NM_000465.2); short protein forms S244R, S225R.
Identifiers: ClinVar variation 2812487 (VCV002812487.4), dbSNP rs774675180, ClinGen allele CA350456156.

ClinVar aggregate classification (germline): Uncertain significance. Review status: criteria provided, multiple submitters, no conflicts (2 of 4 stars). 2 submissions from 2 submitters: Uncertain significance (2). Last evaluated 2026-02-09.

Conditions:
Familial cancer of breast. Also called: BREAST CANCER, FAMILIAL; Hereditary breast cancer; hereditary breast carcinoma. Identifiers: Orphanet 227535, MedGen C0346153, MONDO:0016419, OMIM 114480. Disease mechanism: loss of function.
Hereditary cancer-predisposing syndrome. Also called: Tumor predisposition; Neoplastic Syndromes, Hereditary; Hereditary Cancer Syndrome; Hereditary neoplastic syndrome. Identifiers: Orphanet 140162, MedGen C0027672, MeSH D009386, MONDO:0015356.

Submissions (2):

Ambry Genetics
Classification: Uncertain significance for Hereditary cancer-predisposing syndrome. Last evaluated: 2026-02-09. Review status: criteria provided, single submitter. Criteria: Ambry Variant Classification Scheme 2023. Collection method: clinical testing. Allele origin: germline.
Comment: The p.S244R variant (also known as c.732C>G), located in coding exon 4 of the BARD1 gene, results from a C to G substitution at nucleotide position 732. The serine at codon 244 is replaced by arginine, an amino acid with dissimilar properties. This amino acid position is not well conserved in available vertebrate species. In addition, this alteration is predicted to be tolerated by in silico analysis. Based on the available evidence, the clinical significance of this variant remains unclear.

Labcorp Genetics (formerly Invitae), Labcorp
Classification: Uncertain significance for Familial cancer of breast. Last evaluated: 2024-04-22. Review status: criteria provided, single submitter. Criteria: Invitae Variant Classification Sherloc (09022015). Collection method: clinical testing. Allele origin: germline.
Comment: This sequence change replaces serine, which is neutral and polar, with arginine, which is basic and polar, at codon 244 of the BARD1 protein (p.Ser244Arg). This variant is not present in population databases (gnomAD no frequency). This variant has not been reported in the literature in individuals affected with BARD1-related conditions. An algorithm developed to predict the effect of missense changes on protein structure and function (PolyPhen-2) suggests that this variant is likely to be disruptive. In summary, the available evidence is currently insufficient to determine the role of this variant in disease. Therefore, it has been classified as a Variant of Uncertain Significance.